The following is an entry in ClinVar:

ClinVar aggregate classification (germline): Uncertain significance (1 of 4 stars; one submission).

Submission:

Labcorp Genetics (formerly Invitae), Labcorp
Classification: Uncertain significance. Last evaluated: 2024-10-21. Review status: criteria provided, single submitter. Criteria: Invitae Variant Classification Sherloc (09022015). Collection method: clinical testing. Allele origin: germline.
Comment: This sequence change replaces alanine, which is neutral and non-polar, with serine, which is neutral and polar, at codon 1114 of the PLXNB2 protein (p.Ala1114Ser). This variant is not present in population databases (gnomAD no frequency). This variant has not been reported in the literature in individuals affected with PLXNB2-related conditions. Invitae Evidence Modeling of protein sequence and biophysical properties (such as structural, functional, and spatial information, amino acid conservation, physicochemical variation, residue mobility, and thermodynamic stability) indicates that this missense variant is expected to disrupt PLXNB2 protein function with a positive predictive value of 80%. In summary, the available evidence is currently insufficient to determine the role of this variant in disease. Therefore, it has been classified as a Variant of Uncertain Significance.

NM_012401.4(PLXNB2):c.3340G>T (p.Ala1114Ser)

Gene: PLXNB2 (plexin B2; minus strand). Cytogenetic location: 22q13.33.
Variant type: single nucleotide variant.
Coding change: c.3340G>T on transcript NM_012401.4 (MANE Select); coding-DNA position 3340, G replaced by T.
Protein change: p.Ala1114Ser; replaces alanine 1114 with serine.
Molecular consequence: missense variant. On other transcripts: intron variant (1).
Genome position (GRCh38, 1-based): chr22:50,281,859, C>A on the plus strand (G>T on the coding strand, the complement: PLXNB2 is on the minus strand). VCF-style: chr22-50281859-C-A. GRCh37 (hg19) VCF-style: chr22-50720288-C-A.
Other names: c.3409G>T, p.Ala1137Ser (NM_001376865.1); c.3340G>T, p.Ala1114Ser (NM_001376866.1, NM_001376867.1, NM_001376868.1 and 16 more transcripts); c.3247G>T, p.Ala1083Ser (NM_001376886.1); c.3321+19G>T (NM_001376883.1); c.3577G>T, p.Ala1193Ser (NM_001376864.1); short protein forms A1083S, A1137S, A1114S, A1193S.
Identifiers: ClinVar variation 3680930 (VCV003680930.2).